The following is an entry in ClinVar:

ClinVar aggregate classification (germline): Uncertain significance (1 of 4 stars; one submission).

Submission:

GeneDx
Classification: Uncertain significance. Last evaluated: 2026-03-03. Review status: criteria provided, single submitter. Criteria: GeneDx Variant Classification Process June 2021. Collection method: clinical testing. Allele origin: germline.
Comment: Not observed at significant frequency in large population cohorts (gnomAD); Missense variant in a gene in which most reported pathogenic variants are truncating/loss of function

NM_001267550.2(TTN):c.35717C>A (p.Pro11906His)

Gene: TTN (titin; minus strand). Cytogenetic location: 2q31.2.
Variant type: single nucleotide variant.
Coding change: c.35717C>A on transcript NM_001267550.2 (MANE Select); coding-DNA position 35717, C replaced by A.
Protein change: p.Pro11906His; replaces proline 11906 with histidine.
Molecular consequence: missense variant. On other transcripts: intron variant (5).
Genome position (GRCh38, 1-based): chr2:178,667,316, G>T on the plus strand (C>A on the coding strand, the complement: TTN is on the minus strand). VCF-style: chr2-178667316-G-T. GRCh37 (hg19) VCF-style: chr2-179532043-G-T.
Other names: c.13283-24999C>A (NM_003319.4); c.13859-24999C>A (NM_133437.4); c.13658-24999C>A (NM_133432.3); c.31483+2902C>A (NM_133378.4); c.34264+2902C>A (NM_001256850.1); short protein forms P11906H.
Identifiers: ClinVar variation 5008280 (VCV005008280.1).
Genomic context (GRCh38, chr2:178,667,316, plus strand): 5'-GGAATTTCAGGAATAGCCTCAGGTGGCTCCACCTCTGGAAAAATGCCTCTGGTTGTATCA[G>T]GTTCTTTAAAGATATTAGTAGGTTTACATTTAAAAGTTGTAAAAACAGTAAATTATAAAA-3'
Protein context (NP_001254479.2, residues 11896-11916): KKRETPATKE[Pro11906His]DTTRGIFPEV